The following is an entry in ClinVar:

NM_001004334.4(GPR179):c.5927G>T (p.Arg1976Leu)

Gene: GPR179 (G protein-coupled receptor 179; minus strand). Cytogenetic location: 17q12.
Variant type: single nucleotide variant.
Coding change: c.5927G>T on transcript NM_001004334.4 (MANE Select); coding-DNA position 5927, G replaced by T.
Protein change: p.Arg1976Leu; replaces arginine 1976 with leucine.
Molecular consequence: missense variant.
Genome position (GRCh38, 1-based): chr17:38,327,642, C>A on the plus strand (G>T on the coding strand, the complement: GPR179 is on the minus strand). VCF-style: chr17-38327642-C-A. GRCh37 (hg19) VCF-style: chr17-36483525-C-A.
Other names: short protein forms R1976L.
Identifiers: ClinVar variation 1474334 (VCV001474334.6), dbSNP rs200274687, ClinGen allele CA398870556.
Genomic context (GRCh38, chr17:38,327,642, plus strand): 5'-TCAGCGGCCCTGCCCCCAGTGCTGACCAGTCTCTGGGAGCTAGCTTTAGGTTGGTCAGGG[C>A]GCTGTCTGTCTAGGTGAGAGACGGAATCTGCTGGGGCAGTGGTCTCCCATGGACAGACGG-3'
Protein context (NP_001004334.3, residues 1966-1986): ADSVSHLDRQ[Arg1976Leu]PDQPKASSQR

ClinVar aggregate classification (germline): Uncertain significance (1 of 4 stars; one submission).

Submission:

Labcorp Genetics (formerly Invitae), Labcorp
Classification: Uncertain significance. Last evaluated: 2022-04-06. Review status: criteria provided, single submitter. Criteria: Invitae Variant Classification Sherloc (09022015). Collection method: clinical testing. Allele origin: germline.
Comment: In summary, the available evidence is currently insufficient to determine the role of this variant in disease. Therefore, it has been classified as a Variant of Uncertain Significance. Algorithms developed to predict the effect of missense changes on protein structure and function (SIFT, PolyPhen-2, Align-GVGD) all suggest that this variant is likely to be tolerated. This variant has not been reported in the literature in individuals affected with GPR179-related conditions. This variant is not present in population databases (gnomAD no frequency). This sequence change replaces arginine, which is basic and polar, with leucine, which is neutral and non-polar, at codon 1976 of the GPR179 protein (p.Arg1976Leu).